The following is an entry in ClinVar:

NM_001081.4(CUBN):c.6576del (p.Phe2192fs)

Gene: CUBN (cubilin; minus strand). Cytogenetic location: 10p13.
Variant type: Deletion.
Coding change: c.6576del on transcript NM_001081.4 (MANE Select); coding-DNA position 6576, one base deleted (T; older notation c.6576delT).
Protein change: p.Phe2192fs; shifts the reading frame from phenylalanine 2192.
Molecular consequence: frameshift variant.
Genome position (GRCh38, 1-based): chr10:16,925,311, A deleted on the plus strand (T on the coding strand, the reverse complement: CUBN is on the minus strand); the first of 3 consecutive A bases (chr10:16,925,311-16,925,313); deleting any one gives the same sequence. VCF-style (leftmost placement, unchanged base first): chr10-16925310-CA-C. GRCh37 (hg19) VCF-style: chr10-16967309-CA-C.
Other names: short protein forms F2192fs.
Identifiers: ClinVar variation 3719491 (VCV003719491.2).

ClinVar aggregate classification (germline): Pathogenic (1 of 4 stars; one submission).

Conditions:
Imerslund-Grasbeck syndrome. Also called: Megaloblastic anemia due to inborn errors of metabolism; ENTEROCYTE COBALAMIN MALABSORPTION; ENTEROCYTE INTRINSIC FACTOR RECEPTOR, DEFECT OF; PERNICIOUS ANEMIA, JUVENILE, DUE TO SELECTIVE INTESTINAL MALABSORPTION OF VITAMIN B12, WITH PROTEINURIA; Imerslund-Gräsbeck syndrome. Identifiers: Orphanet 35858, MedGen C4551825, MONDO:0009853.

Submission:

Labcorp Genetics (formerly Invitae), Labcorp
Classification: Pathogenic for Imerslund-Grasbeck syndrome. Last evaluated: 2025-09-12. Review status: criteria provided, single submitter. Criteria: Invitae Variant Classification Sherloc (09022015). Collection method: clinical testing. Allele origin: germline.
Comment: This sequence change creates a premature translational stop signal (p.Phe2192Leufs*24) in the CUBN gene. It is expected to result in an absent or disrupted protein product. Loss-of-function variants in CUBN are known to be pathogenic (PMID: 15024727, 22929189, 25349199, 31613795, 34979989). This variant is present in population databases (rs759019306, gnomAD 0.005%). This variant has not been reported in the literature in individuals affected with CUBN-related conditions. ClinVar contains an entry for this variant (Variation ID: 3719491). For these reasons, this variant has been classified as Pathogenic.

Literature cited by the submitters: PubMed 15024727; PubMed 22929189; PubMed 25349199; PubMed 31613795; PubMed 34979989.